The following is an entry in ClinVar:

ClinVar aggregate classification (germline): Pathogenic (1 of 4 stars; one submission).

Conditions:
Familial adenomatous polyposis 1 (FAP1). Also called: FAMILIAL ADENOMATOUS POLYPOSIS 1, ATTENUATED; POLYPOSIS, ADENOMATOUS INTESTINAL. Identifiers: MedGen C2713442, MONDO:0021056, OMIM 175100. Disease mechanism: loss of function.

Submission:

Labcorp Genetics (formerly Invitae), Labcorp
Classification: Pathogenic for Familial adenomatous polyposis 1. Last evaluated: 2024-08-31. Review status: criteria provided, single submitter. Criteria: Invitae Variant Classification Sherloc (09022015). Collection method: clinical testing. Allele origin: germline.
Comment: This sequence change creates a premature translational stop signal (p.Ser1936Phefs*13) in the APC gene. While this is not anticipated to result in nonsense mediated decay, it is expected to disrupt the last 908 amino acid(s) of the APC protein. This variant is not present in population databases (gnomAD no frequency). This variant has not been reported in the literature in individuals affected with APC-related conditions. This variant is expected to disrupt the EB1 and HDLG binding sites, which mediate interactions with the cytoskeleton (PMID: 15311282, 17293347). While functional studies have not been performed to directly test the effect on APC protein function, this suggests that disruption of the C-terminal portion of the protein is functionally important. A different truncation (p.Tyr2645Lysfs*14) that lies downstream of this variant has been determined to be pathogenic (PMID: 9824584, 1316610, 27081525, 8381579, 22135120, internal data). This suggests that deletion of this region of the APC protein is causative of disease. For these reasons, this variant has been classified as Pathogenic.

Literature cited by the submitters: PubMed 15311282; PubMed 17293347; PubMed 9824584; PubMed 1316610; PubMed 27081525; PubMed 8381579; PubMed 22135120.

NM_000038.6(APC):c.5806dup (p.Ser1936fs)

Gene: APC (APC regulator of Wnt signaling pathway; plus strand). Cytogenetic location: 5q22.2.
Variant type: Duplication.
Coding change: c.5806dup on transcript NM_000038.6 (MANE Select); coding-DNA position 5806, one base duplicated (T; older notation c.5806dupT).
Protein change: p.Ser1936fs; shifts the reading frame from serine 1936.
Molecular consequence: frameshift variant. On other transcripts: non-coding transcript variant (2).
Genome position (GRCh38, 1-based): chr5:112,841,400, T duplicated. VCF-style (leftmost placement, unchanged base first): chr5-112841399-G-GT. GRCh37 (hg19) VCF-style: chr5-112177096-G-GT.
Other names: c.5806dup, p.Ser1936fs (NM_001127510.3, NM_001354895.2, NM_001407450.1); c.5752dup, p.Ser1918fs (NM_001127511.3); c.5860dup, p.Ser1954fs (NM_001354896.2, NM_001407447.1, NM_001407448.1 and 1 more transcripts); c.5836dup, p.Ser1946fs (NM_001354897.2); c.5731dup, p.Ser1911fs (NM_001354898.2); c.5722dup, p.Ser1908fs (NM_001354899.2); c.5683dup, p.Ser1895fs (NM_001354900.2); c.5629dup, p.Ser1877fs (NM_001354901.2, NM_001407453.1); and 11 more; short protein forms S1653fs, S1926fs, S1552fs, S1807fs, S1810fs, S1877fs, S1895fs, S1929fs.
Identifiers: ClinVar variation 3658255 (VCV003658255.2).